The following is an entry in ClinVar:

ClinVar aggregate classification (germline): Conflicting classifications of pathogenicity. Review status: criteria provided, conflicting classifications (1 of 4 stars). 2 submissions from 2 submitters: Uncertain significance (1); Likely benign (1). Last evaluated 2024-12-07.

gnomAD v4.1: 7 of 1,614,202 alleles (0.00043%); highest among the groups gnomAD compares: Non-Finnish European, 0.00059%; no homozygotes.

Submissions (2):

Labcorp Genetics (formerly Invitae), Labcorp
Classification: Likely benign. Last evaluated: 2024-12-07. Review status: criteria provided, single submitter. Criteria: Invitae Variant Classification Sherloc (09022015). Collection method: clinical testing. Allele origin: germline.

GeneDx
Classification: Uncertain significance. Last evaluated: 2019-03-18. Review status: criteria provided, single submitter. Criteria: GeneDx Variant Classification Process June 2021. Collection method: clinical testing. Allele origin: germline. Affected: yes.
Comment: Has not been previously published as pathogenic or benign to our knowledge; Not observed in large population cohorts (Lek et al., 2016); In silico analysis, which includes splice predictors and evolutionary conservation, is inconclusive as to whether the variant alters gene splicing. In the absence of RNA/functional studies, the actual effect of this sequence change is unknown.

NM_013247.5(HTRA2):c.618C>A (p.Val206=)

Gene: HTRA2 (HtrA serine peptidase 2; plus strand). Cytogenetic location: 2p13.1.
Variant type: single nucleotide variant.
Coding change: c.618C>A on transcript NM_013247.5 (MANE Select); coding-DNA position 618, C replaced by A.
Protein change: p.Val206=; no amino-acid change (valine 206 retained).
Molecular consequence: synonymous variant. On other transcripts: non-coding transcript variant (4).
Genome position (GRCh38, 1-based): chr2:74,530,728, C>A. VCF-style: chr2-74530728-C-A. GRCh37 (hg19) VCF-style: chr2-74757855-C-A.
Other names: c.618C>A, p.Val206= (NM_001321727.1, NM_001321728.1, NM_145074.2).
Identifiers: ClinVar variation 1308233 (VCV001308233.4), dbSNP rs186272815, ClinGen allele CA1728396.